The following is an entry in ClinVar:

NM_001042750.2(STAG2):c.2097-19_2097-5del

Gene: STAG2 (STAG2 cohesin complex component; plus strand). Cytogenetic location: Xq25.
Variant type: Deletion.
Coding change: c.2097-19_2097-5del on transcript NM_001042750.2 (MANE Select); 19 bases into the intron before coding-DNA position 2097 through 5 bases into the intron before coding-DNA position 2097, 15 bases deleted (TTTTTTTTTTTTTTT).
Molecular consequence: intron variant.
Genome position (GRCh38, 1-based): chrX:124,066,156-124,066,170, TTTTTTTTTTTTTTT deleted; deleting any 15 consecutive bases within chrX:124,066,144-124,066,170 gives the same sequence; the c. name uses the placement nearest the transcript's 3' end. VCF-style (leftmost placement, unchanged base first): chrX-124066143-ATTTTTTTTTTTTTTT-A. GRCh37 (hg19) VCF-style: chrX-123199993-ATTTTTTTTTTTTTTT-A.
Other names: c.2097-19_2097-5del (NM_001042749.2, NM_001441077.1, NM_001375366.1 and 23 more transcripts).
Identifiers: ClinVar variation 4761921 (VCV004761921.1).

ClinVar aggregate classification (germline): Uncertain significance (1 of 4 stars; one submission).

Submission:

Labcorp Genetics (formerly Invitae), Labcorp
Classification: Uncertain significance. Last evaluated: 2025-05-11. Review status: criteria provided, single submitter. Criteria: Invitae Variant Classification Sherloc (09022015). Collection method: clinical testing. Allele origin: germline.
Comment: This sequence change falls in intron 21 of the STAG2 gene. It does not directly change the encoded amino acid sequence of the STAG2 protein. This variant is not present in population databases (gnomAD no frequency). This variant has not been reported in the literature in individuals affected with STAG2-related conditions. Experimental studies and prediction algorithms are not available or were not evaluated, and the effect of this variant on mRNA splicing is currently unknown. In summary, the available evidence is currently insufficient to determine the role of this variant in disease. Therefore, it has been classified as a Variant of Uncertain Significance.